The following is an entry in ClinVar:

NM_000135.4(FANCA):c.2923G>A (p.Gly975Arg)

Gene: FANCA (FA complementation group A; minus strand). Cytogenetic location: 16q24.3.
Variant type: single nucleotide variant.
Coding change: c.2923G>A on transcript NM_000135.4 (MANE Select); coding-DNA position 2923, G replaced by A.
Protein change: p.Gly975Arg; replaces glycine 975 with arginine.
Molecular consequence: missense variant.
Genome position (GRCh38, 1-based): chr16:89,758,635, C>T on the plus strand (G>A on the coding strand, the complement: FANCA is on the minus strand). VCF-style: chr16-89758635-C-T. GRCh37 (hg19) VCF-style: chr16-89825043-C-T.
Other names: c.2923G>A, p.Gly975Arg (NM_001286167.3); c.2923G>A (NM_000135.3); short protein forms G975R.
Identifiers: ClinVar variation 1413064 (VCV001413064.9), dbSNP rs369565161, ClinGen allele CA8251438.

ClinVar aggregate classification (germline): Uncertain significance. Review status: criteria provided, multiple submitters, no conflicts (2 of 4 stars). 3 submissions from 3 submitters: Uncertain significance (3). Last evaluated 2025-07-25.

Conditions:
Fanconi anemia complementation group A (FANCA). Also called: Fanconi anemia, group A; FANCA-Related Fanconi Anemia. Identifiers: Orphanet 84, MedGen C3469521, MONDO:0009215, OMIM 227650.
Fanconi anemia (FA). Also called: Fanconi's anemia. Identifiers: Orphanet 84, MedGen C0015625, MeSH D005199, MONDO:0019391.

Allele frequency attached by ClinVar (database versions not stated): TOPMed below 0.00001; ExAC 0.00001; gnomAD exomes 0.00001; gnomAD 0.00002; ESP Exome Variant Server 0.00008.
gnomAD v4.1: 9 of 1,613,942 alleles (0.00056%); highest among the groups gnomAD compares: African/African-American, 0.0027%; no homozygotes.

Submissions (3):

Labcorp Genetics (formerly Invitae), Labcorp
Classification: Uncertain significance for Fanconi anemia. Last evaluated: 2025-07-25. Review status: criteria provided, single submitter. Criteria: Invitae Variant Classification Sherloc (09022015). Collection method: clinical testing. Allele origin: germline.
Comment: This sequence change replaces glycine, which is neutral and non-polar, with arginine, which is basic and polar, at codon 975 of the FANCA protein (p.Gly975Arg). This variant is present in population databases (rs369565161, gnomAD 0.002%). This missense change has been observed in individual(s) with FANCA-related conditions (PMID: 36463940). ClinVar contains an entry for this variant (Variation ID: 1413064). Invitae Evidence Modeling of protein sequence and biophysical properties (such as structural, functional, and spatial information, amino acid conservation, physicochemical variation, residue mobility, and thermodynamic stability) has been performed for this missense variant. However, the output from this modeling did not meet the statistical confidence thresholds required to predict the impact of this variant on FANCA protein function. In summary, the available evidence is currently insufficient to determine the role of this variant in disease. Therefore, it has been classified as a Variant of Uncertain Significance.

Quest Diagnostics Nichols Institute San Juan Capistrano
Classification: Uncertain significance. Last evaluated: 2025-01-11. Review status: criteria provided, single submitter. Criteria: Quest Diagnostics criteria. Collection method: clinical testing. Allele origin: unknown.
Comment: The FANCA c.2923G>A (p.Gly975Arg) variant has been reported in the published literature in an individual with breast cancer (PMID: 35884425 (2022)) and along with other FANCA variants in an individual with Fanconi anemia (PMID: 36463940 (2023)). The frequency of this variant in the general population (Genome Aggregation Database) is uninformative in the assessment of its pathogenicity. Analysis of this variant using bioinformatics tools for the prediction of the effect of amino acid changes on protein structure and function yielded predictions that this variant is damaging. Based on the available information, we are unable to determine the clinical significance of this variant.

Fulgent Genetics
Classification: Uncertain significance for Fanconi anemia complementation group A. Last evaluated: 2021-08-12. Review status: criteria provided, single submitter. Criteria: ACMG Guidelines, 2015. Collection method: clinical testing. Allele origin: unknown.

Literature cited by the submitters: PubMed 36463940 (cited by Labcorp Genetics (formerly Invitae), Labcorp and Quest Diagnostics Nichols Institute San Juan Capistrano); PubMed 32235514 (cited by Quest Diagnostics Nichols Institute San Juan Capistrano); PubMed 35884425 (cited by Quest Diagnostics Nichols Institute San Juan Capistrano).